The following is an entry in ClinVar:

ClinVar aggregate classification (germline): Likely benign. Review status: criteria provided, single submitter (1 of 4 stars). 2 submissions from 2 submitters: Likely benign (1). 1 of the submissions does not count toward it. Last evaluated 2025-06-24.

Conditions:
MYSM1-related disorder. Also called: MYSM1-related condition.

gnomAD v4.1: 28 of 1,611,214 alleles (0.0017%); highest among the groups gnomAD compares: Non-Finnish European, 0.0023%; no homozygotes.

Submissions (2):

Labcorp Genetics (formerly Invitae), Labcorp
Classification: Likely benign. Last evaluated: 2025-06-24. Review status: criteria provided, single submitter. Criteria: Invitae Variant Classification Sherloc (09022015). Collection method: clinical testing. Allele origin: germline.

PreventionGenetics, part of Exact Sciences
Classification: Likely benign for MYSM1-related condition. Last evaluated: 2024-04-25. Review status: no assertion criteria provided. Collection method: clinical testing. Allele origin: germline. Not counted in ClinVar's aggregate classification.
Comment: This variant is classified as likely benign based on ACMG/AMP sequence variant interpretation guidelines (Richards et al. 2015 PMID: 25741868, with internal and published modifications).

NM_001085487.3(MYSM1):c.1308C>G (p.Gly436=)

Gene: MYSM1 (Myb like, SWIRM and MPN domains 1; minus strand). Cytogenetic location: 1p32.1.
Variant type: single nucleotide variant.
Coding change: c.1308C>G on transcript NM_001085487.3 (MANE Select); coding-DNA position 1308, C replaced by G.
Protein change: p.Gly436=; no amino-acid change (glycine 436 retained).
Molecular consequence: synonymous variant.
Genome position (GRCh38, 1-based): chr1:58,677,008, G>C on the plus strand (C>G on the coding strand, the complement: MYSM1 is on the minus strand). VCF-style: chr1-58677008-G-C. GRCh37 (hg19) VCF-style: chr1-59142680-G-C.
Identifiers: ClinVar variation 3355244 (VCV003355244.2).